The following is an entry in ClinVar:

NC_000015.10:g.84817088C>T

Gene: ALPK3 (alpha kinase 3; plus strand). Cytogenetic location: 15q25.3.
Variant type: single nucleotide variant.
Genome position: GRCh38 VCF-style: chr15-84817088-C-T. GRCh37 (hg19) VCF-style: chr15-85360319-C-T.
Other names: short protein forms T81M.
Identifiers: ClinVar variation 1284568 (VCV001284568.36), dbSNP rs200966727, ClinGen allele CA7708822.

ClinVar aggregate classification (germline): Benign/Likely benign. Review status: criteria provided, multiple submitters, no conflicts (2 of 4 stars). 7 submissions from 7 submitters: Benign (3); Likely benign (2). 2 of the submissions do not count toward it. Last evaluated 2026-01-27.

Conditions:
Cardiovascular phenotype. Identifiers: MedGen CN230736.

Allele frequency attached by ClinVar (database versions not stated): TOPMed 0.00044; ExAC 0.00095; gnomAD 0.00045 and 0.00044; gnomAD exomes 0.00075.

Submissions (7):

Labcorp Genetics (formerly Invitae), Labcorp
Classification: Benign. Last evaluated: 2026-01-27. Review status: criteria provided, single submitter. Criteria: Invitae Variant Classification Sherloc (09022015). Collection method: clinical testing. Allele origin: germline.

Blueprint Genetics
Classification: Likely benign. Last evaluated: 2024-11-07. Review status: criteria provided, single submitter. Criteria: ACMG Guidelines, 2015. Collection method: clinical testing. Allele origin: germline.

CeGaT Center for Human Genetics Tuebingen
Classification: Likely benign. Last evaluated: 2022-11-01. Review status: criteria provided, single submitter. Criteria: CeGaT Center For Human Genetics Tuebingen Variant Classification Criteria Version 2. Collection method: clinical testing. Allele origin: germline. Affected: yes. Observed: 1 variant allele.
Comment: ALPK3: BP4

Ambry Genetics
Classification: Benign for Cardiovascular phenotype. Last evaluated: 2019-09-13. Review status: criteria provided, single submitter. Criteria: Ambry Variant Classification Scheme 2023. Collection method: clinical testing. Allele origin: germline.

Breakthrough Genomics
Classification: Benign. Review status: criteria provided, single submitter. Criteria: ACMG Guidelines, 2015. Collection method: not provided. Allele origin: germline. Inheritance: Autosomal recessive inheritance. Affected: yes.

Clinical Genetics DNA and cytogenetics Diagnostics Lab, Erasmus MC, Erasmus Medical Center
Classification: Likely benign. Review status: no assertion criteria provided. Collection method: clinical testing. Allele origin: germline. Affected: yes. Study: VKGL Data-share Consensus. Not counted in ClinVar's aggregate classification.

Clinical Genetics, Academic Medical Center
Classification: Likely benign. Review status: no assertion criteria provided. Collection method: clinical testing. Allele origin: germline. Affected: yes. Study: VKGL Data-share Consensus. Not counted in ClinVar's aggregate classification.